The following is an entry in ClinVar:

ClinVar aggregate classification (germline): Uncertain significance. Review status: criteria provided, multiple submitters, no conflicts (2 of 4 stars). 3 submissions from 3 submitters: Uncertain significance (3). Last evaluated 2025-03-10.

Conditions:
Nephronophthisis 16 (NPHP16). Identifiers: Orphanet 655, MedGen C3809320, MONDO:0014158, OMIM 615382.
Inborn genetic diseases. Identifiers: MedGen C0950123, MeSH D030342.

Allele frequency attached by ClinVar (database versions not stated): gnomAD 0.00003 and 0.00004; TOPMed 0.00003; gnomAD exomes 0.00005; ESP Exome Variant Server 0.00008.
gnomAD v4.1: 86 of 1,614,012 alleles (0.0053%); highest among the groups gnomAD compares: Non-Finnish European, 0.0067%; no homozygotes.

Submissions (3):

Labcorp Genetics (formerly Invitae), Labcorp
Classification: Uncertain significance for Nephronophthisis 16. Last evaluated: 2025-03-10. Review status: criteria provided, single submitter. Criteria: Invitae Variant Classification Sherloc (09022015). Collection method: clinical testing. Allele origin: germline.
Comment: This sequence change replaces asparagine, which is neutral and polar, with serine, which is neutral and polar, at codon 381 of the ANKS6 protein (p.Asn381Ser). This variant is present in population databases (rs368211870, gnomAD 0.01%). This variant has not been reported in the literature in individuals affected with ANKS6-related conditions. ClinVar contains an entry for this variant (Variation ID: 935978). An algorithm developed to predict the effect of missense changes on protein structure and function (PolyPhen-2) suggests that this variant is likely to be tolerated. In summary, the available evidence is currently insufficient to determine the role of this variant in disease. Therefore, it has been classified as a Variant of Uncertain Significance.

Ambry Genetics
Classification: Uncertain significance for Inborn genetic diseases. Last evaluated: 2024-10-09. Review status: criteria provided, single submitter. Criteria: Ambry Variant Classification Scheme 2023. Collection method: clinical testing. Allele origin: germline.

Blueprint Genetics
Classification: Uncertain significance. Last evaluated: 2023-12-29. Review status: criteria provided, single submitter. Criteria: ACMG Guidelines, 2015. Collection method: clinical testing. Allele origin: germline.

NM_173551.5(ANKS6):c.1142A>G (p.Asn381Ser)

Gene: ANKS6 (ankyrin repeat and sterile alpha motif domain containing 6; minus strand). Cytogenetic location: 9q22.33.
Variant type: single nucleotide variant.
Coding change: c.1142A>G on transcript NM_173551.5 (MANE Select); coding-DNA position 1142, A replaced by G.
Protein change: p.Asn381Ser; replaces asparagine 381 with serine.
Molecular consequence: missense variant.
Genome position (GRCh38, 1-based): chr9:98,782,544, T>C on the plus strand (A>G on the coding strand, the complement: ANKS6 is on the minus strand). VCF-style: chr9-98782544-T-C. GRCh37 (hg19) VCF-style: chr9-101544826-T-C.
Other names: c.1142A>G (NM_173551.3); short protein forms N381S.
Identifiers: ClinVar variation 935978 (VCV000935978.11), dbSNP rs368211870, ClinGen allele CA196817698.